The following is an entry in ClinVar:

ClinVar aggregate classification (germline): Likely benign. Review status: criteria provided, single submitter (1 of 4 stars). 2 submissions from 2 submitters: Likely benign (1). 1 of the submissions does not count toward it. Last evaluated 2025-03-24.

Conditions:
Inborn genetic diseases. Identifiers: MedGen C0950123, MeSH D030342.
DDX41-related disorder. Also called: DDX41-related condition.

Allele frequency attached by ClinVar (database versions not stated): ExAC 0.00001; gnomAD exomes below 0.00001.

Submissions (2):

Ambry Genetics
Classification: Likely benign for Inborn genetic diseases. Last evaluated: 2025-03-24. Review status: criteria provided, single submitter. Criteria: Ambry Variant Classification Scheme 2023. Collection method: clinical testing. Allele origin: germline.

PreventionGenetics, part of Exact Sciences
Classification: Likely benign for DDX41-related condition. Last evaluated: 2022-10-18. Review status: no assertion criteria provided. Collection method: clinical testing. Allele origin: germline. Not counted in ClinVar's aggregate classification.
Comment: This variant is classified as likely benign based on ACMG/AMP sequence variant interpretation guidelines (Richards et al. 2015 PMID: 25741868, with internal and published modifications).

NM_016222.4(DDX41):c.1593C>T (p.Ile531=)

Gene: DDX41 (DEAD-box helicase 41; minus strand). Cytogenetic location: 5q35.3.
Variant type: single nucleotide variant.
Coding change: c.1593C>T on transcript NM_016222.4 (MANE Select); coding-DNA position 1593, C replaced by T.
Protein change: p.Ile531=; no amino-acid change (isoleucine 531 retained).
Molecular consequence: synonymous variant.
Genome position (GRCh38, 1-based): chr5:177,512,350, G>A on the plus strand (C>T on the coding strand, the complement: DDX41 is on the minus strand). VCF-style: chr5-177512350-G-A. GRCh37 (hg19) VCF-style: chr5-176939351-G-A.
Other names: c.1215C>T, p.Ile405= (NM_001321732.2, NM_001321830.2); c.1593C>T (NM_016222.2).
Identifiers: ClinVar variation 3050585 (VCV003050585.3), dbSNP rs769966092, ClinGen allele CA3584693.